The following is an entry in ClinVar:

NM_182961.4(SYNE1):c.9333G>T (p.Leu3111Phe)

Gene: SYNE1 (spectrin repeat containing nuclear envelope protein 1; minus strand). Cytogenetic location: 6q25.2.
Variant type: single nucleotide variant.
Coding change: c.9333G>T on transcript NM_182961.4 (MANE Select); coding-DNA position 9333, G replaced by T.
Protein change: p.Leu3111Phe; replaces leucine 3111 with phenylalanine.
Molecular consequence: missense variant.
Genome position (GRCh38, 1-based): chr6:152,373,211, C>A on the plus strand (G>T on the coding strand, the complement: SYNE1 is on the minus strand). VCF-style: chr6-152373211-C-A. GRCh37 (hg19) VCF-style: chr6-152694346-C-A.
Other names: c.9354G>T, p.Leu3118Phe (NM_033071.5); short protein forms L3118F, L3111F.
Identifiers: ClinVar variation 2185699 (VCV002185699.4), dbSNP rs2490556871, ClinGen allele CA366140301.
Genomic context (GRCh38, chr6:152,373,211, plus strand): 5'-CAGAAGTTCCCCTTTAGACAGCATCATGTTTAGCTTGTGCTGTCCATTTTCACTTTCTGA[C>A]AAAAACTCCTATAAAAGAAAATATAGAATTAGCCATAATGAAAATATTGTGTGTTGTTTC-3'
Protein context (NP_892006.3, residues 3101-3121): STSLQKIQEF[Leu3111Phe]SESENGQHKL

ClinVar aggregate classification (germline): Uncertain significance (1 of 4 stars; one submission).

Conditions:
Emery-Dreifuss muscular dystrophy 4, autosomal dominant (EDMD4). Also called: EMERY-DREIFUSS MUSCULAR DYSTROPHY 4 WITH VARIABLE FEATURES. Identifiers: Orphanet 261, MedGen C2751807, MONDO:0013071, OMIM 612998.
Autosomal recessive ataxia, Beauce type. Also called: Spinocerebellar ataxia, autosomal recessive 8; ATAXIA, RECESSIVE, OF BEAUCE; SYNE1-Related Autosomal Recessive Cerebellar Ataxia; SYNE1 Deficiency. Identifiers: Orphanet 88644, MedGen C1853116, MONDO:0012549, OMIM 610743.

Allele frequency attached by ClinVar (database versions not stated): gnomAD exomes below 0.00001.
gnomAD v4.1: 1 of 1,610,604 alleles (0.000062%); highest among the groups gnomAD compares: Admixed American, 0.0017%; no homozygotes.

Submission:

Labcorp Genetics (formerly Invitae), Labcorp
Classification: Uncertain significance for Emery-Dreifuss muscular dystrophy 4, autosomal dominant; Autosomal recessive ataxia, Beauce type. Last evaluated: 2022-08-11. Review status: criteria provided, single submitter. Criteria: Invitae Variant Classification Sherloc (09022015). Collection method: clinical testing. Allele origin: germline.
Comment: In summary, the available evidence is currently insufficient to determine the role of this variant in disease. Therefore, it has been classified as a Variant of Uncertain Significance. Algorithms developed to predict the effect of missense changes on protein structure and function output the following: SIFT: "Tolerated"; PolyPhen-2: "Benign"; Align-GVGD: "Class C0". The phenylalanine amino acid residue is found in multiple mammalian species, which suggests that this missense change does not adversely affect protein function. This variant has not been reported in the literature in individuals affected with SYNE1-related conditions. This variant is not present in population databases (gnomAD no frequency). This sequence change replaces leucine, which is neutral and non-polar, with phenylalanine, which is neutral and non-polar, at codon 3118 of the SYNE1 protein (p.Leu3118Phe).